The following is an entry in ClinVar:

NM_000396.4(CTSK):c.560A>C (p.Gln187Pro)

Gene: CTSK (cathepsin K; minus strand). Cytogenetic location: 1q21.3.
Variant type: single nucleotide variant.
Coding change: c.560A>C on transcript NM_000396.4 (MANE Select); coding-DNA position 560, A replaced by C.
Protein change: p.Gln187Pro; replaces glutamine 187 with proline.
Molecular consequence: missense variant.
Genome position (GRCh38, 1-based): chr1:150,804,079, T>G on the plus strand (A>C on the coding strand, the complement: CTSK is on the minus strand). VCF-style: chr1-150804079-T-G. GRCh37 (hg19) VCF-style: chr1-150776555-T-G.
Other names: short protein forms Q187P.
Identifiers: ClinVar variation 5003208 (VCV005003208.1).

ClinVar aggregate classification (germline): Uncertain significance (1 of 4 stars; one submission).

Conditions:
Pyknodysostosis. Also called: Pycnodysostosis. Identifiers: Orphanet 763, MedGen C0238402, MONDO:0009940, OMIM 265800.

Submission:

Myriad Genetics, Inc.
Classification: Uncertain significance for Pyknodysostosis. Last evaluated: 2025-12-03. Review status: criteria provided, single submitter. Criteria: Myriad Autosomal Dominant, Autosomal Recessive and X-Linked Classification Criteria (2023). Collection method: clinical testing. Allele origin: unknown.
Comment: NM_000396.3(CTSK):c.560A>C(Q187P) is a missense variant classified as a variant of uncertain significance in the context of pycnodysostosis. Q187P has been observed in a case with relevant disease (PMID: 19215700). Relevant functional assessments of this variant are not available in the literature. Q187P has not been observed in referenced population frequency databases. In summary, there is insufficient evidence to classify NM_000396.3(CTSK):c.560A>C(Q187P) as pathogenic or benign. Please note: this variant was assessed in the context of healthy population screening.

Literature cited by the submitters: PubMed 19215700.